The following is an entry in ClinVar:

ClinVar aggregate classification (germline): Uncertain significance. Review status: criteria provided, multiple submitters, no conflicts (2 of 4 stars). 3 submissions from 3 submitters: Uncertain significance (3). Last evaluated 2025-03-27.

Conditions:
Joubert syndrome 21 (JBTS21). Identifiers: MedGen C3810212, MONDO:0014288, OMIM 615636.

Allele frequency attached by ClinVar (database versions not stated): gnomAD 0.00001; ExAC 0.00002; gnomAD exomes 0.00002; 1000 Genomes Project 30x 0.00016; 1000 Genomes Project 0.00020.
gnomAD v4.1: 26 of 1,613,884 alleles (0.0016%); highest among the groups gnomAD compares: South Asian, 0.027%; 1 homozygote.

Submissions (3):

GeneDx
Classification: Uncertain significance. Last evaluated: 2025-03-27. Review status: criteria provided, single submitter. Criteria: GeneDx Variant Classification Process June 2021. Collection method: clinical testing. Allele origin: germline. Affected: yes.
Comment: Not observed at significant frequency in large population cohorts (gnomAD); In silico analysis indicates that this missense variant does not alter protein structure/function; Has not been previously published as pathogenic or benign to our knowledge

Labcorp Genetics (formerly Invitae), Labcorp
Classification: Uncertain significance for Joubert syndrome 21. Last evaluated: 2022-06-27. Review status: criteria provided, single submitter. Criteria: Invitae Variant Classification Sherloc (09022015). Collection method: clinical testing. Allele origin: germline.
Comment: This sequence change replaces threonine, which is neutral and polar, with alanine, which is neutral and non-polar, at codon 453 of the CSPP1 protein (p.Thr453Ala). This variant is present in population databases (rs533327313, gnomAD 0.01%). This variant has not been reported in the literature in individuals affected with CSPP1-related conditions. Algorithms developed to predict the effect of missense changes on protein structure and function are either unavailable or do not agree on the potential impact of this missense change (SIFT: "Tolerated"; PolyPhen-2: "Probably Damaging"; Align-GVGD: "Class C0"). In summary, the available evidence is currently insufficient to determine the role of this variant in disease. Therefore, it has been classified as a Variant of Uncertain Significance.

Revvity Omics, Revvity
Classification: Uncertain significance for Joubert syndrome 21. Last evaluated: 2021-01-09. Review status: criteria provided, single submitter. Criteria: ACMG Guidelines, 2015. Collection method: clinical testing. Allele origin: germline.

NM_001382391.1(CSPP1):c.1372A>G (p.Thr458Ala)

Gene: CSPP1 (centrosome and spindle pole associated protein 1; plus strand). Cytogenetic location: 8q13.2.
Variant type: single nucleotide variant.
Coding change: c.1372A>G on transcript NM_001382391.1 (MANE Select); coding-DNA position 1372, A replaced by G.
Protein change: p.Thr458Ala; replaces threonine 458 with alanine.
Molecular consequence: missense variant.
Genome position (GRCh38, 1-based): chr8:67,115,998, A>G. VCF-style: chr8-67115998-A-G. GRCh37 (hg19) VCF-style: chr8-68028233-A-G.
Other names: c.475A>G, p.Thr159Ala (NM_001291339.2); c.1291A>G, p.Thr431Ala (NM_001363131.2); c.1330A>G, p.Thr444Ala (NM_001363132.2); c.1249A>G, p.Thr417Ala (NM_001363133.2); c.1438A>G, p.Thr480Ala (NM_001364869.1); c.1258A>G, p.Thr420Ala (NM_001364870.1); c.1357A>G, p.Thr453Ala (NM_024790.7); short protein forms T431A, T458A, T417A, T444A, T480A, T159A, T420A, T453A.
Identifiers: ClinVar variation 1474378 (VCV001474378.9), dbSNP rs533327313, ClinGen allele CA4770524.